The following is an entry in ClinVar:

NM_000465.4(BARD1):c.-49C>T

Genes: BARD1 (BRCA1 associated RING domain 1; minus strand), LOC129935544 (ATAC-STARR-seq lymphoblastoid silent region 12296; plus strand). Cytogenetic location: 2q35.
Variant type: single nucleotide variant.
Coding change: c.-49C>T on transcript NM_000465.4 (MANE Select); 49 bases upstream of the start codon, C replaced by T.
Molecular consequence: 5 prime UTR variant. On other transcripts: non-coding transcript variant (3).
Genome position (GRCh38, 1-based): chr2:214,809,618, G>A on the plus strand (C>T on the coding strand, the complement: BARD1 is on the minus strand). VCF-style: chr2-214809618-G-A. GRCh37 (hg19) VCF-style: chr2-215674342-G-A.
Other names: c.-49C>T (NM_001282543.2, NM_001282545.2, NM_001282548.2 and 1 more transcripts).
Identifiers: ClinVar variation 509743 (VCV000509743.1), dbSNP rs1297484134, ClinGen allele CA658796171.

ClinVar aggregate classification (germline): Likely benign (1 of 4 stars; one submission).

Submission:

GeneDx
Classification: Likely benign. Last evaluated: 2017-05-22. Review status: criteria provided, single submitter. Criteria: GeneDx Variant Classification (06012015). Collection method: clinical testing. Allele origin: germline. Affected: yes.
Comment: This variant is considered likely benign or benign based on one or more of the following criteria: it is a conservative change, it occurs at a poorly conserved position in the protein, it is predicted to be benign by multiple in silico algorithms, and/or has population frequency not consistent with disease.